The following is an entry in ClinVar:

ClinVar aggregate classification (germline): Uncertain significance. Review status: criteria provided, multiple submitters, no conflicts (2 of 4 stars). 4 submissions from 4 submitters: Uncertain significance (4). Last evaluated 2025-11-20.

Conditions:
Cardiovascular phenotype. Identifiers: MedGen CN230736.
Long QT syndrome (LQTS). Identifiers: MedGen C0023976, MeSH D008133, MONDO:0002442. Disease mechanism: loss of function. Inheritance: Various modes of inheritance.
Cardiac arrhythmia. Also called: Arrhythmia; Cardiac rhythm disease. Identifiers: MedGen C0003811, MONDO:0007263, HP:0011675.

Allele frequency attached by ClinVar (database versions not stated): ExAC 0.00003; gnomAD 0.00001; TOPMed 0.00001; gnomAD exomes 0.00002.
gnomAD v4.1: 21 of 1,613,704 alleles (0.0013%); highest among the groups gnomAD compares: Admixed American, 0.005%; no homozygotes.

Submissions (4):

Labcorp Genetics (formerly Invitae), Labcorp
Classification: Uncertain significance for Long QT syndrome. Last evaluated: 2025-11-20. Review status: criteria provided, single submitter. Criteria: Invitae Variant Classification Sherloc (09022015). Collection method: clinical testing. Allele origin: germline.
Comment: This sequence change replaces valine, which is neutral and non-polar, with methionine, which is neutral and non-polar, at codon 294 of the KCNQ1 protein (p.Val294Met). This variant is present in population databases (rs749073770, gnomAD 0.003%). This variant has not been reported in the literature in individuals affected with KCNQ1-related conditions. ClinVar contains an entry for this variant (Variation ID: 629619). Invitae Evidence Modeling of protein sequence and biophysical properties (such as structural, functional, and spatial information, amino acid conservation, physicochemical variation, residue mobility, and thermodynamic stability) indicates that this missense variant is not expected to disrupt KCNQ1 protein function with a negative predictive value of 95%. In summary, the available evidence is currently insufficient to determine the role of this variant in disease. Therefore, it has been classified as a Variant of Uncertain Significance.

Color Diagnostics, LLC DBA Color Health
Classification: Uncertain significance for Cardiac arrhythmia. Last evaluated: 2025-08-08. Review status: criteria provided, single submitter. Criteria: ACMG Guidelines, 2015. Collection method: clinical testing. Allele origin: germline.
Comment: This missense variant replaces valine with methionine at codon 294 of the KCNQ1 protein. Computational prediction is inconclusive regarding the impact of this variant on protein structure and function. To our knowledge, functional studies have not been reported for this variant. This variant has not been reported in individuals affected with KCNQ1-related disorders in the literature. This variant has been identified in 4/250240 chromosomes in the general population by the Genome Aggregation Database (gnomAD). The available evidence is insufficient to determine the role of this variant in disease conclusively. Therefore, this variant is classified as a Variant of Uncertain Significance.

Ambry Genetics
Classification: Uncertain significance for Cardiovascular phenotype. Last evaluated: 2025-01-09. Review status: criteria provided, single submitter. Criteria: Ambry Variant Classification Scheme 2023. Collection method: clinical testing. Allele origin: germline.
Comment: The p.V294M variant (also known as c.880G>A), located in coding exon 6 of the KCNQ1 gene, results from a G to A substitution at nucleotide position 880. The valine at codon 294 is replaced by methionine, an amino acid with highly similar properties. This amino acid position is poorly conserved in available vertebrate species. In addition, the in silico prediction for this alteration is inconclusive. Based on the available evidence, the clinical significance of this variant remains unclear.

All of Us Research Program, National Institutes of Health
Classification: Uncertain significance for Long QT syndrome. Last evaluated: 2023-09-04. Review status: criteria provided, single submitter. Criteria: ACMG Guidelines, 2015. Collection method: clinical testing. Allele origin: germline. Inheritance: Autosomal dominant inheritance. Observed: 2 variant alleles, 2 heterozygotes.
Comment: Variant of Uncertain Significance due to insufficient evidence: This missense variant is located in the extracellular linker between transmembrane domain S5 and pore-forming region of the KCNQ1 protein. Computational prediction tools and conservation analyses suggest that this variant may not impact the protein function. Computational splicing tools suggest that this variant may not impact RNA splicing. To our knowledge, functional assays have not been performed for this variant nor has this variant been reported in individuals affected with cardiovascular disorders in the literature. This variant has been identified in 4/245602 chromosomes in the general population by the Genome Aggregation Database (gnomAD). Available evidence is insufficient to determine the pathogenicity of this variant conclusively.

This study involves interpretation of variants in research participants for the purpose of population health screening. Participant phenotype was not available at the time of variant classification. Additional details can be found in publication PMID: 35346344, PMCID: PMC8962531

NM_000218.3(KCNQ1):c.880G>A (p.Val294Met)

Gene: KCNQ1 (potassium voltage-gated channel subfamily Q member 1; plus strand). Cytogenetic location: 11p15.5.
Variant type: single nucleotide variant.
Coding change: c.880G>A on transcript NM_000218.3 (MANE Select); coding-DNA position 880, G replaced by A.
Protein change: p.Val294Met; replaces valine 294 with methionine.
Molecular consequence: missense variant.
Genome position (GRCh38, 1-based): chr11:2,572,945, G>A. VCF-style: chr11-2572945-G-A. GRCh37 (hg19) VCF-style: chr11-2594175-G-A.
Other names: c.880G>A, p.Val294Met (NM_001406836.1); c.610G>A, p.Val204Met (NM_001406837.1); c.499G>A, p.Val167Met (NM_181798.2); short protein forms V167M, V294M, V204M.
Identifiers: ClinVar variation 629619 (VCV000629619.13), dbSNP rs749073770, ClinGen allele CA041183.